The following is an entry in ClinVar:

NM_000038.6(APC):c.6647C>A (p.Pro2216His)

Gene: APC (APC regulator of Wnt signaling pathway; plus strand). Cytogenetic location: 5q22.2.
Variant type: single nucleotide variant.
Coding change: c.6647C>A on transcript NM_000038.6 (MANE Select); coding-DNA position 6647, C replaced by A.
Protein change: p.Pro2216His; replaces proline 2216 with histidine.
Molecular consequence: missense variant.
Genome position (GRCh38, 1-based): chr5:112,842,241, C>A. VCF-style: chr5-112842241-C-A. GRCh37 (hg19) VCF-style: chr5-112177938-C-A.
Other names: c.6647C>A, p.Pro2216His (NM_001127510.3, NM_001354895.2, NM_001407450.1); c.6593C>A, p.Pro2198His (NM_001127511.3); c.6701C>A, p.Pro2234His (NM_001354896.2, NM_001407447.1, NM_001407448.1 and 1 more transcripts); c.6677C>A, p.Pro2226His (NM_001354897.2); c.6572C>A, p.Pro2191His (NM_001354898.2); c.6563C>A, p.Pro2188His (NM_001354899.2); c.6524C>A, p.Pro2175His (NM_001354900.2); c.6470C>A, p.Pro2157His (NM_001354901.2, NM_001407453.1); and 11 more; short protein forms P2056H, P2090H, P2209H, P2226H, P1832H, P2157H, P2191H, P2244H.
Identifiers: ClinVar variation 2089194 (VCV002089194.4), dbSNP rs1766268047, ClinGen allele CA16035873.

ClinVar aggregate classification (germline): Uncertain significance (1 of 4 stars; one submission).

Conditions:
Familial adenomatous polyposis 1 (FAP1). Also called: POLYPOSIS, ADENOMATOUS INTESTINAL; FAMILIAL ADENOMATOUS POLYPOSIS 1, ATTENUATED. Identifiers: MedGen C2713442, MONDO:0021056, OMIM 175100. Disease mechanism: loss of function.

Submission:

Labcorp Genetics (formerly Invitae), Labcorp
Classification: Uncertain significance for Familial adenomatous polyposis 1. Last evaluated: 2022-03-18. Review status: criteria provided, single submitter. Criteria: Invitae Variant Classification Sherloc (09022015). Collection method: clinical testing. Allele origin: germline.
Comment: Algorithms developed to predict the effect of missense changes on protein structure and function (SIFT, PolyPhen-2, Align-GVGD) all suggest that this variant is likely to be tolerated. In summary, the available evidence is currently insufficient to determine the role of this variant in disease. Therefore, it has been classified as a Variant of Uncertain Significance. This variant is not present in population databases (gnomAD no frequency). This variant has not been reported in the literature in individuals affected with APC-related conditions. This sequence change replaces proline, which is neutral and non-polar, with histidine, which is basic and polar, at codon 2216 of the APC protein (p.Pro2216His).